The following is an entry in ClinVar:

ClinVar aggregate classification (germline): Uncertain significance (1 of 4 stars; one submission).

Conditions:
Cardiovascular phenotype. Identifiers: MedGen CN230736.

Allele frequency attached by ClinVar (database versions not stated): gnomAD 0.00001; TOPMed 0.00002.
gnomAD v4.1: 2 of 1,429,288 alleles (0.00014%); highest among the groups gnomAD compares: African/African-American, 0.0029%; no homozygotes.

Submission:

Ambry Genetics
Classification: Uncertain significance for Cardiovascular phenotype. Last evaluated: 2023-04-22. Review status: criteria provided, single submitter. Criteria: Ambry Variant Classification Scheme 2023. Collection method: clinical testing. Allele origin: germline.
Comment: The p.D1567G variant (also known as c.4700A>G), located in coding exon 18 of the AKAP9 gene, results from an A to G substitution at nucleotide position 4700. The aspartic acid at codon 1567 is replaced by glycine, an amino acid with similar properties. This amino acid position is conserved. In addition, this alteration is predicted to be tolerated by in silico analysis. Since supporting evidence is limited at this time, the clinical significance of this alteration remains unclear.

NM_005751.5(AKAP9):c.4700A>G (p.Asp1567Gly)

Gene: AKAP9 (A-kinase anchoring protein 9; plus strand). Cytogenetic location: 7q21.2.
Variant type: single nucleotide variant.
Coding change: c.4700A>G on transcript NM_005751.5 (MANE Select); coding-DNA position 4700, A replaced by G.
Protein change: p.Asp1567Gly; replaces aspartic acid 1567 with glycine.
Molecular consequence: missense variant.
Genome position (GRCh38, 1-based): chr7:92,040,681, A>G. VCF-style: chr7-92040681-A-G. GRCh37 (hg19) VCF-style: chr7-91669995-A-G.
Other names: c.4700A>G, p.Asp1567Gly (NM_147185.3); short protein forms D1567G.
Identifiers: ClinVar variation 2564472 (VCV002564472.2), dbSNP rs939803784, ClinGen allele CA161896909.